The following is an entry in ClinVar:

ClinVar aggregate classification (germline): Likely benign (1 of 4 stars; one submission).

Submission:

GeneDx
Classification: Likely benign. Last evaluated: 2018-05-22. Review status: criteria provided, single submitter. Criteria: GeneDx Variant Classification (06012015). Collection method: clinical testing. Allele origin: germline. Affected: yes.
Comment: This variant is considered likely benign or benign based on one or more of the following criteria: it is a conservative change, it occurs at a poorly conserved position in the protein, it is predicted to be benign by multiple in silico algorithms, and/or has population frequency not consistent with disease.

NM_000169.3(GLA):c.639+858C>G

Genes: GLA (galactosidase alpha; minus strand), RPL36A-HNRNPH2 (RPL36A-HNRNPH2 readthrough; plus strand). Cytogenetic location: Xq22.1.
Variant type: single nucleotide variant.
Coding change: c.639+858C>G on transcript NM_000169.3 (MANE Select); 858 bases into the intron after coding-DNA position 639, C replaced by G.
Molecular consequence: intron variant.
Genome position (GRCh38, 1-based): chrX:101,399,808, G>C on the plus strand (C>G on the coding strand, the complement: GLA is on the minus strand). VCF-style: chrX-101399808-G-C. GRCh37 (hg19) VCF-style: chrX-100654796-G-C.
Other names: c.300+4351G>C (NM_001199973.2); c.177+7986G>C (NM_001199974.2); c.762+858C>G (NM_001406747.1); c.639+858C>G (NM_001406748.1).
Identifiers: ClinVar variation 668574 (VCV000668574.1), dbSNP rs1603040086, ClinGen allele CA915951299.
Genomic context (GRCh38, chrX:101,399,808, plus strand): 5'-TAGTGGGGAGACATGGTAACAAGTCAACAAATACTTCCAAATAGTGTGGAGCTCTGAGAA[G>C]AAAATTAAACAGGTTAATGTGATGAAGAATGAATGGACAGAGGGCTATTTTAAAGTAGTT-3'